The following is an entry in ClinVar:

NM_001009944.3(PKD1):c.8873C>T (p.Ser2958Leu)

Gene: PKD1 (polycystin 1, transient receptor potential channel interacting; minus strand). Cytogenetic location: 16p13.3.
Variant type: single nucleotide variant.
Coding change: c.8873C>T on transcript NM_001009944.3 (MANE Select); coding-DNA position 8873, C replaced by T.
Protein change: p.Ser2958Leu; replaces serine 2958 with leucine.
Molecular consequence: missense variant.
Genome position (GRCh38, 1-based): chr16:2,102,889, G>A on the plus strand (C>T on the coding strand, the complement: PKD1 is on the minus strand). VCF-style: chr16-2102889-G-A. GRCh37 (hg19) VCF-style: chr16-2152890-G-A.
Other names: p.Ser2958Leu; c.8873C>T, p.Ser2958Leu (NM_000296.4); short protein forms S2958L.
Identifiers: ClinVar variation 3306804 (VCV003306804.5).

ClinVar aggregate classification (germline): Conflicting classifications of pathogenicity. Review status: criteria provided, conflicting classifications (1 of 4 stars). 5 submissions from 5 submitters: Uncertain significance (4); Likely benign (1). Last evaluated 2026-04-20.

Conditions:
PKD1-related disorder. Also called: PKD1-related condition.
Inborn genetic diseases. Identifiers: MedGen C0950123, MeSH D030342.
Polycystic kidney disease, adult type (PKD1). Also called: Polycystic Kidney Disease 1, Autosomal Dominant; Polycystic kidney disease 1; Polycystic kidney disease 1, severe; POLYCYSTIC KIDNEY DISEASE 1 WITH OR WITHOUT POLYCYSTIC LIVER DISEASE; POLYCYSTIC KIDNEY DISEASE, ADULT, TYPE I; Polycystic Kidney, Autosomal Dominant. Identifiers: MedGen C3149841, MONDO:0008263, OMIM 173900.

gnomAD v4.1: 36 of 1,609,948 alleles (0.0022%); highest among the groups gnomAD compares: Admixed American, 0.04%; no homozygotes.

Submissions (5):

PreventionGenetics, part of Exact Sciences
Classification: Likely benign for PKD1-related condition. Last evaluated: 2026-04-20. Review status: criteria provided, single submitter. Criteria: ACMG Guidelines, 2015. Collection method: clinical testing. Allele origin: germline.
Comment: This variant is classified as likely benign based on ACMG/AMP sequence variant interpretation guidelines (Richards et al. 2015 PMID: 25741868, with internal and published modifications).

Mayo Clinic Laboratories, Mayo Clinic
Classification: Uncertain significance. Last evaluated: 2025-08-08. Review status: criteria provided, single submitter. Criteria: ACMG Guidelines, 2015. Collection method: clinical testing. Allele origin: germline. Observed: 2 variant alleles.
Comment: BP4_moderate

Ambry Genetics
Classification: Uncertain significance for Inborn genetic diseases. Last evaluated: 2024-04-19. Review status: criteria provided, single submitter. Criteria: Ambry Variant Classification Scheme 2023. Collection method: clinical testing. Allele origin: germline.

Blueprint Genetics
Classification: Uncertain significance. Last evaluated: 2021-05-27. Review status: criteria provided, single submitter. Criteria: ACMG Guidelines, 2015. Collection method: clinical testing. Allele origin: germline.

Department of Pathology and Laboratory Medicine, Sinai Health System
Classification: Uncertain significance for Polycystic kidney disease, adult type. Last evaluated: 2019-10-21. Review status: criteria provided, single submitter. Criteria: ACMG Guidelines, 2015. Collection method: clinical testing. Allele origin: germline. Affected: yes.

Literature cited by the submitters: PubMed 11967008 (cited by Department of Pathology and Laboratory Medicine, Sinai Health System).